The following is an entry in ClinVar:

NM_003285.3(TNR):c.744G>A (p.Gly248=)

Gene: TNR (tenascin R; minus strand). Cytogenetic location: 1q25.1.
Variant type: single nucleotide variant.
Coding change: c.744G>A on transcript NM_003285.3 (MANE Select); coding-DNA position 744, G replaced by A.
Protein change: p.Gly248=; no amino-acid change (glycine 248 retained).
Molecular consequence: synonymous variant. On other transcripts: 5 prime UTR variant (1).
Genome position (GRCh38, 1-based): chr1:175,403,372, C>T on the plus strand (G>A on the coding strand, the complement: TNR is on the minus strand). VCF-style: chr1-175403372-C-T. GRCh37 (hg19) VCF-style: chr1-175372508-C-T.
Other names: c.-152G>A (NM_001328635.2).
Identifiers: ClinVar variation 4085929 (VCV004085929.8).

ClinVar aggregate classification (germline): Likely benign (1 of 4 stars; one submission).

Submission:

CeGaT Center for Human Genetics Tuebingen
Classification: Likely benign. Last evaluated: 2025-08-01. Review status: criteria provided, single submitter. Criteria: CeGaT Center For Human Genetics Tuebingen Variant Classification Criteria Version 2. Collection method: clinical testing. Allele origin: germline. Affected: yes. Observed: 1 variant allele.
Comment: TNR: PM2:Supporting, BP4, BP7